The following is an entry in ClinVar:

ClinVar aggregate classification (germline): Uncertain significance (1 of 4 stars; one submission).

Submission:

GeneDx
Classification: Uncertain significance. Last evaluated: 2023-12-21. Review status: criteria provided, single submitter. Criteria: GeneDx Variant Classification Process June 2021. Collection method: clinical testing. Allele origin: germline. Affected: yes.
Comment: Not observed at significant frequency in large population cohorts (gnomAD); Missense variants in this gene are a common cause of disease and they are underrepresented in the general population; In silico analysis supports that this missense variant does not alter protein structure/function; Has not been previously published as pathogenic or benign to our knowledge

NM_005633.4(SOS1):c.2632A>T (p.Met878Leu)

Gene: SOS1 (SOS Ras/Rac guanine nucleotide exchange factor 1; minus strand). Cytogenetic location: 2p22.1.
Variant type: single nucleotide variant.
Coding change: c.2632A>T on transcript NM_005633.4 (MANE Select); coding-DNA position 2632, A replaced by T.
Protein change: p.Met878Leu; replaces methionine 878 with leucine.
Molecular consequence: missense variant.
Genome position (GRCh38, 1-based): chr2:39,007,072, T>A on the plus strand (A>T on the coding strand, the complement: SOS1 is on the minus strand). VCF-style: chr2-39007072-T-A. GRCh37 (hg19) VCF-style: chr2-39234213-T-A.
Other names: c.2611A>T, p.Met871Leu (NM_001382394.1); c.2632A>T, p.Met878Leu (NM_001382395.1); short protein forms M871L, M878L.
Identifiers: ClinVar variation 3370013 (VCV003370013.1).